The following is an entry in ClinVar:

ClinVar aggregate classification (germline): Uncertain significance (1 of 4 stars; one submission).

Submission:

Labcorp Genetics (formerly Invitae), Labcorp
Classification: Uncertain significance. Last evaluated: 2022-01-19. Review status: criteria provided, single submitter. Criteria: Invitae Variant Classification Sherloc (09022015). Collection method: clinical testing. Allele origin: germline.
Comment: Algorithms developed to predict the effect of missense changes on protein structure and function are either unavailable or do not agree on the potential impact of this missense change (SIFT: "Tolerated"; PolyPhen-2: "Possibly Damaging"; Align-GVGD: "Class C0"). In summary, the available evidence is currently insufficient to determine the role of this variant in disease. Therefore, it has been classified as a Variant of Uncertain Significance. ClinVar contains an entry for this variant (Variation ID: 1009770). This sequence change replaces glutamic acid, which is acidic and polar, with aspartic acid, which is acidic and polar, at codon 341 of the ROM1 protein (p.Glu341Asp). This variant is not present in population databases (gnomAD no frequency). This variant has not been reported in the literature in individuals affected with ROM1-related conditions.

NM_000327.4(ROM1):c.1023A>C (p.Glu341Asp)

Gene: ROM1 (retinal outer segment membrane protein 1; plus strand). Cytogenetic location: 11q12.3.
Variant type: single nucleotide variant.
Coding change: c.1023A>C on transcript NM_000327.4 (MANE Select); coding-DNA position 1023, A replaced by C.
Protein change: p.Glu341Asp; replaces glutamic acid 341 with aspartic acid.
Molecular consequence: missense variant.
Genome position (GRCh38, 1-based): chr11:62,614,806, A>C. VCF-style: chr11-62614806-A-C. GRCh37 (hg19) VCF-style: chr11-62382278-A-C.
Other names: short protein forms E341D.
Identifiers: ClinVar variation 1009770 (VCV001009770.8), dbSNP rs1942990717, ClinGen allele CA380973484.